The following is an entry in ClinVar:

ClinVar aggregate classification (germline): Pathogenic/Likely pathogenic. Review status: criteria provided, multiple submitters, no conflicts (2 of 4 stars). 4 submissions from 4 submitters: Pathogenic (3); Likely pathogenic (1). Last evaluated 2025-09-12.

Conditions:
Monogenic hearing loss.
Febrile seizures, familial, 4 (FEB4). Also called: CONVULSIONS, FAMILIAL FEBRILE, 4. Identifiers: MedGen C1858493, MONDO:0011443, OMIM 604352.
Usher syndrome type 2C. Also called: Usher syndrome, type 2B; USHER SYNDROME, TYPE IIC. Identifiers: Orphanet 231178, Orphanet 886, MedGen C2931213, MONDO:0011558, OMIM 605472.

Allele frequency attached by ClinVar (database versions not stated): gnomAD exomes below 0.00001; TOPMed below 0.00001; ExAC 0.00001.
gnomAD v4.1: 5 of 1,613,608 alleles (0.00031%); highest among the groups gnomAD compares: South Asian, 0.0011%; no homozygotes.

Submissions (4):

Genetics Laboratory, Great Ormond Street Hospital NHS Foundation Trust, North Thames Genomic Laboratory Hub
Classification: Pathogenic for Monogenic hearing loss. Last evaluated: 2025-09-12. Review status: criteria provided, single submitter. Criteria: ACGS Best Practice Guidelines for Variant Classification in Rare Disease 2024 v1.2. Collection method: clinical testing. Allele origin: germline. Affected: yes.
Comment: PM2_moderate, PVS1_very-strong, PM3_moderate

Labcorp Genetics (formerly Invitae), Labcorp
Classification: Pathogenic. Last evaluated: 2025-04-01. Review status: criteria provided, single submitter. Criteria: Invitae Variant Classification Sherloc (09022015). Collection method: clinical testing. Allele origin: germline.
Comment: This sequence change creates a premature translational stop signal (p.Arg3405*) in the ADGRV1 gene. It is expected to result in an absent or disrupted protein product. Loss-of-function variants in ADGRV1 are known to be pathogenic (PMID: 19357117, 22135276, 22147658, 26226137, 30718709, 31047384, 32467589). This variant is present in population databases (rs763670293, gnomAD 0.003%). This premature translational stop signal has been observed in individual(s) with deafness (PMID: 24853665). ClinVar contains an entry for this variant (Variation ID: 265623). Algorithms developed to predict the effect of sequence changes on RNA splicing suggest that this variant may disrupt the consensus splice site. For these reasons, this variant has been classified as Pathogenic.

GeneDx
Classification: Pathogenic. Last evaluated: 2025-01-08. Review status: criteria provided, single submitter. Criteria: GeneDx Variant Classification Process June 2021. Collection method: clinical testing. Allele origin: germline. Affected: yes.
Comment: Nonsense variant predicted to result in protein truncation or nonsense mediated decay in a gene for which loss of function is a known mechanism of disease; Not observed at significant frequency in large population cohorts (gnomAD); This variant is associated with the following publications: (PMID: 24853665)

Fulgent Genetics
Classification: Likely pathogenic for Febrile seizures, familial, 4; Usher syndrome type 2C. Last evaluated: 2024-06-06. Review status: criteria provided, single submitter. Criteria: ACMG Guidelines, 2015. Collection method: clinical testing. Allele origin: germline.

Literature cited by the submitters: PubMed 19357117 (cited by Labcorp Genetics (formerly Invitae), Labcorp); PubMed 22135276 (cited by Labcorp Genetics (formerly Invitae), Labcorp); PubMed 22147658 (cited by Labcorp Genetics (formerly Invitae), Labcorp); PubMed 26226137 (cited by Labcorp Genetics (formerly Invitae), Labcorp); PubMed 30718709 (cited by Labcorp Genetics (formerly Invitae), Labcorp); PubMed 31047384 (cited by Labcorp Genetics (formerly Invitae), Labcorp); PubMed 32467589 (cited by Labcorp Genetics (formerly Invitae), Labcorp); PubMed 24853665 (cited by Labcorp Genetics (formerly Invitae), Labcorp).

NM_032119.4(ADGRV1):c.10213C>T (p.Arg3405Ter)

Gene: ADGRV1 (adhesion G protein-coupled receptor V1; plus strand). Cytogenetic location: 5q14.3.
Variant type: single nucleotide variant.
Coding change: c.10213C>T on transcript NM_032119.4 (MANE Select); coding-DNA position 10213, C replaced by T.
Protein change: p.Arg3405Ter; replaces arginine 3405 with a stop codon.
Molecular consequence: nonsense. On other transcripts: non-coding transcript variant (1).
Genome position (GRCh38, 1-based): chr5:90,728,720, C>T. VCF-style: chr5-90728720-C-T. GRCh37 (hg19) VCF-style: chr5-90024537-C-T.
Other names: short protein forms R3405*.
Identifiers: ClinVar variation 265623 (VCV000265623.8), dbSNP rs763670293, ClinGen allele CA3340708.